The following is an entry in ClinVar:

NM_052813.5(CARD9):c.578G>A (p.Ser193Asn)

Gene: CARD9 (caspase recruitment domain family member 9; minus strand). Cytogenetic location: 9q34.3.
Variant type: single nucleotide variant.
Coding change: c.578G>A on transcript NM_052813.5 (MANE Select); coding-DNA position 578, G replaced by A.
Protein change: p.Ser193Asn; replaces serine 193 with asparagine.
Molecular consequence: missense variant.
Genome position (GRCh38, 1-based): chr9:136,370,890, C>T on the plus strand (G>A on the coding strand, the complement: CARD9 is on the minus strand). VCF-style: chr9-136370890-C-T. GRCh37 (hg19) VCF-style: chr9-139265342-C-T.
Other names: c.578G>A, p.Ser193Asn (NM_052814.4); short protein forms S193N.
Identifiers: ClinVar variation 958379 (VCV000958379.7), dbSNP rs144115318, ClinGen allele CA201614601.

ClinVar aggregate classification (germline): Uncertain significance (1 of 4 stars; one submission).

Conditions:
Predisposition to invasive fungal disease due to CARD9 deficiency (IMD103). Also called: Candidiasis, familial, 2, autosomal recessive; CARD9 IMMUNODEFICIENCY; IMMUNODEFICIENCY 103, SUSCEPTIBILITY TO FUNGAL INFECTIONS. Identifiers: Orphanet 457088, MedGen C1859353, MONDO:0008905, OMIM 212050.

Allele frequency attached by ClinVar (database versions not stated): gnomAD 0.00001; gnomAD exomes 0.00001; TOPMed 0.00004; ESP Exome Variant Server 0.00008.
gnomAD v4.1: 16 of 1,608,448 alleles (0.00099%); highest among the groups gnomAD compares: Non-Finnish European, 0.0014%; no homozygotes.

Submission:

Labcorp Genetics (formerly Invitae), Labcorp
Classification: Uncertain significance for Predisposition to invasive fungal disease due to CARD9 deficiency. Last evaluated: 2022-03-12. Review status: criteria provided, single submitter. Criteria: Invitae Variant Classification Sherloc (09022015). Collection method: clinical testing. Allele origin: germline.
Comment: This sequence change replaces serine, which is neutral and polar, with asparagine, which is neutral and polar, at codon 193 of the CARD9 protein (p.Ser193Asn). This variant is not present in population databases (gnomAD no frequency). This variant has not been reported in the literature in individuals affected with CARD9-related conditions. ClinVar contains an entry for this variant (Variation ID: 958379). Algorithms developed to predict the effect of missense changes on protein structure and function are either unavailable or do not agree on the potential impact of this missense change (SIFT: "Deleterious"; PolyPhen-2: "Benign"; Align-GVGD: "Class C0"). In summary, the available evidence is currently insufficient to determine the role of this variant in disease. Therefore, it has been classified as a Variant of Uncertain Significance.